The following is an entry in ClinVar:

NM_004304.5(ALK):c.1786A>G (p.Met596Val)

Gene: ALK (ALK receptor tyrosine kinase; minus strand). Cytogenetic location: 2p23.2.
Variant type: single nucleotide variant.
Coding change: c.1786A>G on transcript NM_004304.5 (MANE Select); coding-DNA position 1786, A replaced by G.
Protein change: p.Met596Val; replaces methionine 596 with valine.
Molecular consequence: missense variant.
Genome position (GRCh38, 1-based): chr2:29,296,919, T>C on the plus strand (A>G on the coding strand, the complement: ALK is on the minus strand). VCF-style: chr2-29296919-T-C. GRCh37 (hg19) VCF-style: chr2-29519785-T-C.
Other names: c.1786A>G (NM_004304.4); short protein forms M596V.
Identifiers: ClinVar variation 2073394 (VCV002073394.6), dbSNP rs1410352488, ClinGen allele CA346465935.

ClinVar aggregate classification (germline): Uncertain significance. Review status: criteria provided, multiple submitters, no conflicts (2 of 4 stars). 2 submissions from 2 submitters: Uncertain significance (2). Last evaluated 2025-08-11.

Conditions:
Neuroblastoma, susceptibility to, 3. Also called: ALK-Related Neuroblastic Tumor Susceptibility. Identifiers: Orphanet 635, MedGen C2751681, MONDO:0013083, OMIM 613014.
Hereditary cancer-predisposing syndrome. Also called: Tumor predisposition; Hereditary Cancer Syndrome; Hereditary neoplastic syndrome; Neoplastic Syndromes, Hereditary. Identifiers: Orphanet 140162, MedGen C0027672, MeSH D009386, MONDO:0015356.

Submissions (2):

Ambry Genetics
Classification: Uncertain significance for Hereditary cancer-predisposing syndrome. Last evaluated: 2025-08-11. Review status: criteria provided, single submitter. Criteria: Ambry Variant Classification Scheme 2023. Collection method: clinical testing. Allele origin: germline.

Labcorp Genetics (formerly Invitae), Labcorp
Classification: Uncertain significance for Neuroblastoma, susceptibility to, 3. Last evaluated: 2023-07-26. Review status: criteria provided, single submitter. Criteria: Invitae Variant Classification Sherloc (09022015). Collection method: clinical testing. Allele origin: germline.
Comment: This variant has not been reported in the literature in individuals affected with ALK-related conditions. This sequence change replaces methionine, which is neutral and non-polar, with valine, which is neutral and non-polar, at codon 596 of the ALK protein (p.Met596Val). This variant is present in population databases (no rsID available, gnomAD 0.007%). ClinVar contains an entry for this variant (Variation ID: 2073394). An algorithm developed to predict the effect of missense changes on protein structure and function (PolyPhen-2) suggests that this variant is likely to be tolerated. In summary, the available evidence is currently insufficient to determine the role of this variant in disease. Therefore, it has been classified as a Variant of Uncertain Significance.